The following is an entry in ClinVar:

NM_006922.4(SCN3A):c.4669G>C (p.Val1557Leu)

Gene: SCN3A (sodium voltage-gated channel alpha subunit 3; minus strand). Cytogenetic location: 2q24.3.
Variant type: single nucleotide variant.
Coding change: c.4669G>C on transcript NM_006922.4 (MANE Select); coding-DNA position 4669, G replaced by C.
Protein change: p.Val1557Leu; replaces valine 1557 with leucine.
Molecular consequence: missense variant.
Genome position (GRCh38, 1-based): chr2:165,092,392, C>G on the plus strand (G>C on the coding strand, the complement: SCN3A is on the minus strand). VCF-style: chr2-165092392-C-G. GRCh37 (hg19) VCF-style: chr2-165948902-C-G.
Other names: c.4522G>C, p.Val1508Leu (NM_001081676.2, NM_001081677.2); short protein forms V1508L, V1557L.
Identifiers: ClinVar variation 5009684 (VCV005009684.1).

ClinVar aggregate classification (germline): Uncertain significance (1 of 4 stars; one submission).

gnomAD v4.1: 5 of 1,613,970 alleles (0.00031%); highest among the groups gnomAD compares: Non-Finnish European, 0.00042%; no homozygotes.

Submission:

GeneDx
Classification: Uncertain significance. Last evaluated: 2026-02-26. Review status: criteria provided, single submitter. Criteria: GeneDx Variant Classification Process June 2021. Collection method: clinical testing. Allele origin: germline.
Comment: Not observed at significant frequency in large population cohorts (gnomAD); In silico analysis suggests that this missense variant does not alter protein structure/function; Has not been previously published as pathogenic or benign to our knowledge